The following is an entry in ClinVar:

ClinVar aggregate classification (germline): Uncertain significance. Review status: criteria provided, multiple submitters, no conflicts (2 of 4 stars). 4 submissions from 4 submitters: Uncertain significance (4). Last evaluated 2024-03-01.

Conditions:
Inborn genetic diseases. Identifiers: MedGen C0950123, MeSH D030342.
Sucrase-isomaltase deficiency (CSID). Also called: SI DEFICIENCY; Deficiency of isomaltase; Congenital sucrose isomaltose malabsorption; Sucrose isomaltose enzyme deficiency. Identifiers: Orphanet 35122, MedGen C1283620, MONDO:0009114, OMIM 222900.

Allele frequency attached by ClinVar (database versions not stated): gnomAD exomes 0.00011 and 0.00017; TOPMed 0.00011; gnomAD 0.00012 and 0.00013; ExAC 0.00014; 1000 Genomes Project 30x 0.00016; 1000 Genomes Project 0.00020; ESP Exome Variant Server 0.00023.
gnomAD v4.1: 258 of 1,605,932 alleles (0.016%); highest among the groups gnomAD compares: Non-Finnish European, 0.021%; no homozygotes.

Submissions (4):

Fulgent Genetics
Classification: Uncertain significance for Sucrase-isomaltase deficiency. Last evaluated: 2024-03-01. Review status: criteria provided, single submitter. Criteria: ACMG Guidelines, 2015. Collection method: clinical testing. Allele origin: germline.

Labcorp Genetics (formerly Invitae), Labcorp
Classification: Uncertain significance. Last evaluated: 2022-10-06. Review status: criteria provided, single submitter. Criteria: Invitae Variant Classification Sherloc (09022015). Collection method: clinical testing. Allele origin: germline.
Comment: This sequence change replaces aspartic acid, which is acidic and polar, with histidine, which is basic and polar, at codon 1617 of the SI protein (p.Asp1617His). This variant is present in population databases (rs202225928, gnomAD 0.02%). This variant has not been reported in the literature in individuals affected with SI-related conditions. ClinVar contains an entry for this variant (Variation ID: 899435). Advanced modeling of protein sequence and biophysical properties (such as structural, functional, and spatial information, amino acid conservation, physicochemical variation, residue mobility, and thermodynamic stability) has been performed at Invitae for this missense variant, however the output from this modeling did not meet the statistical confidence thresholds required to predict the impact of this variant on SI protein function. In summary, the available evidence is currently insufficient to determine the role of this variant in disease. Therefore, it has been classified as a Variant of Uncertain Significance.

Ambry Genetics
Classification: Uncertain significance for Inborn genetic diseases. Last evaluated: 2021-07-28. Review status: criteria provided, single submitter. Criteria: Ambry Variant Classification Scheme 2023. Collection method: clinical testing. Allele origin: germline.

Illumina Laboratory Services, Illumina
Classification: Uncertain significance for Sucrase-isomaltase deficiency. Last evaluated: 2018-01-13. Review status: criteria provided, single submitter. Criteria: ICSL Variant Classification Criteria 13 December 2019. Collection method: clinical testing. Allele origin: germline.

NM_001041.4(SI):c.4849G>C (p.Asp1617His)

Gene: SI (sucrase-isomaltase; minus strand). Cytogenetic location: 3q26.1.
Variant type: single nucleotide variant.
Coding change: c.4849G>C on transcript NM_001041.4 (MANE Select); coding-DNA position 4849, G replaced by C.
Protein change: p.Asp1617His; replaces aspartic acid 1617 with histidine.
Molecular consequence: missense variant.
Genome position (GRCh38, 1-based): chr3:164,992,390, C>G on the plus strand (G>C on the coding strand, the complement: SI is on the minus strand). VCF-style: chr3-164992390-C-G. GRCh37 (hg19) VCF-style: chr3-164710178-C-G.
Other names: short protein forms D1617H.
Identifiers: ClinVar variation 899435 (VCV000899435.11), dbSNP rs202225928, ClinGen allele CA2689762.